The following is an entry in ClinVar:

NM_000264.5(PTCH1):c.704T>G (p.Phe235Cys)

Gene: PTCH1 (patched 1; minus strand). Cytogenetic location: 9q22.32.
Variant type: single nucleotide variant.
Coding change: c.704T>G on transcript NM_000264.5 (MANE Select); coding-DNA position 704, T replaced by G.
Protein change: p.Phe235Cys; replaces phenylalanine 235 with cysteine.
Molecular consequence: missense variant. On other transcripts: non-coding transcript variant (1).
Genome position (GRCh38, 1-based): chr9:95,481,991, A>C on the plus strand (T>G on the coding strand, the complement: PTCH1 is on the minus strand). VCF-style: chr9-95481991-A-C. GRCh37 (hg19) VCF-style: chr9-98244273-A-C.
Other names: c.506T>G, p.Phe169Cys (NM_001083602.3, NM_001354919.2); c.701T>G, p.Phe234Cys (NM_001083603.3); c.251T>G, p.Phe84Cys (NM_001083604.3, NM_001083605.3, NM_001083606.3 and 1 more transcripts); c.704T>G, p.Phe235Cys (NM_001354918.2); short protein forms F235C, F234C, F169C, F84C.
Identifiers: ClinVar variation 2449649 (VCV002449649.3), dbSNP rs2118463353, ClinGen allele CA374114880.

ClinVar aggregate classification (germline): Uncertain significance (1 of 4 stars; one submission).

Conditions:
Hereditary cancer-predisposing syndrome. Also called: Tumor predisposition; Hereditary Cancer Syndrome; Hereditary neoplastic syndrome; Neoplastic Syndromes, Hereditary. Identifiers: Orphanet 140162, MedGen C0027672, MeSH D009386, MONDO:0015356.

Submission:

Ambry Genetics
Classification: Uncertain significance for Hereditary cancer-predisposing syndrome. Last evaluated: 2026-04-21. Review status: criteria provided, single submitter. Criteria: Ambry Variant Classification Scheme 2023. Collection method: clinical testing. Allele origin: germline.
Comment: The p.F235C variant (also known as c.704T>G), located in coding exon 5 of the PTCH1 gene, results from a T to G substitution at nucleotide position 704. The phenylalanine at codon 235 is replaced by cysteine, an amino acid with highly dissimilar properties. This amino acid position is conserved. In addition, this alteration is predicted to be deleterious by in silico analysis. Based on the available evidence, the clinical significance of this variant remains unclear.